The following is an entry in ClinVar:

NM_001142800.2(EYS):c.2133_2134insTTTTTTTTTTTTTTTTTTTTNNNNNNNNNNTGACCTCGTGATCCGCCCGCGTCGGCCTCCCTAAGTGCTGGGATTACAGGCGTGAGCCACCGCGCCCGGCCT (p.Lys712delinsPhePhePhePhePhePheXaaXaaXaaXaaTer)

Gene: EYS (EGF-like photoreceptor maintenance factor; minus strand). Cytogenetic location: 6q12.
Variant type: Insertion.
Coding change: c.2133_2134insTTTTTTTTTTTTTTTTTTTTNNNNNNNNNNTGACCTCGTGATCCGCCCGCGTCGGCCTCCCTAAGTGCTGGGATTACAGGCGTGAGCCACCGCGCCCGGCCT on transcript NM_001142800.2 (MANE Select); coding-DNA positions 2133 to 2134, TTTTTTTTTTTTTTTTTTTTNNNNNNNNNNTGACCTCGTGATCCGCCCGCGTCGGCCTCCCTAAGTGCTGGGATTACAGGCGTGAGCCACCGCGCCCGGCCT inserted.
Protein change: p.Lys712delinsPhePhePhePhePhePheXaaXaaXaaXaaTer.
Molecular consequence: nonsense.
Genome position: GRCh38: chr6:65,057,618-65,057,619. GRCh37 (hg19): chr6:65,767,511-65,767,512.
Other names: c.2133_2134insTTTTTTTTTTTTTTTTTTTTNNNNNNNNNNTGACCTCGTGATCCGCCCGCGTCGGCCTCCCTAAGTGCTGGGATTACAGGCGTGAGCCACCGCGCCCGGCCT, p.Lys712delinsPhePhePhePhePhePheXaaXaaXaaXaaTer (NM_001292009.2).
Identifiers: ClinVar variation 2762082 (VCV002762082.3), dbSNP rs2533709256.

ClinVar aggregate classification (germline): Pathogenic (1 of 4 stars; one submission).

Submission:

Labcorp Genetics (formerly Invitae), Labcorp
Classification: Pathogenic. Last evaluated: 2023-09-20. Review status: criteria provided, single submitter. Criteria: Invitae Variant Classification Sherloc (09022015). Collection method: clinical testing. Allele origin: germline.
Comment: This sequence change inserts a large fragment of DNA, likely a transposable element, in exon 13 of the EYS gene (c.2133_2134ins?), causing a frameshift at codon 711 (p.Phe711fs). The exact size and sequence of the insertion cannot be determined by the current assay. However, the insertion is expected to result in an absent or disrupted protein product. This variant is not present in population databases (gnomAD no frequency). This variant has not been reported in the literature in individuals affected with EYS-related conditions. Experimental studies and prediction algorithms are not available or were not evaluated, and the functional significance of this variant is currently unknown. Retrotransposon insertions including LINE1 (L1), Alu, and SVA (SINE-VNTR-Alu) have been reported to be disease-causing through disruption of either a coding region or splice site (PMID: 19763152, 20307669, 22406018) and loss-of-function variants in EYS are known to be pathogenic (PMID: 18836446, 20333770). For these reasons, this variant has been classified as Pathogenic.

Literature cited by the submitters: PubMed 19763152; PubMed 20307669; PubMed 22406018; PubMed 18836446; PubMed 20333770.